The following is an entry in ClinVar:

NM_024652.6(LRRK1):c.4230C>T (p.Tyr1410=)

Genes: LRRK1 (leucine rich repeat kinase 1; plus strand), LRRK1-AS1 (LRRK1 antisense RNA 1; minus strand). Cytogenetic location: 15q26.3.
Variant type: single nucleotide variant.
Coding change: c.4230C>T on transcript NM_024652.6 (MANE Select); coding-DNA position 4230, C replaced by T.
Protein change: p.Tyr1410=; no amino-acid change (tyrosine 1410 retained).
Molecular consequence: synonymous variant.
Genome position (GRCh38, 1-based): chr15:101,055,121, C>T. VCF-style: chr15-101055121-C-T. GRCh37 (hg19) VCF-style: chr15-101595326-C-T.
Other names: c.4230C>T (NM_024652.5, NM_024652.3).
Identifiers: ClinVar variation 1593004 (VCV001593004.35), dbSNP rs41527944, ClinGen allele CA7761778.

ClinVar aggregate classification (germline): Benign/Likely benign. Review status: criteria provided, multiple submitters, no conflicts (2 of 4 stars). 5 submissions from 5 submitters: Benign (1); Likely benign (3). 1 of the submissions does not count toward it. Last evaluated 2025-12-19.

Conditions:
LRRK1-related disorder. Also called: LRRK1-related condition.
Inborn genetic diseases. Identifiers: MedGen C0950123, MeSH D030342.

Allele frequency attached by ClinVar (database versions not stated): gnomAD exomes 0.00024 and 0.00065; ExAC 0.00076; ESP Exome Variant Server 0.00257; 1000 Genomes Project 0.00399; 1000 Genomes Project 30x 0.00406.
gnomAD v4.1: 732 of 1,613,854 alleles (0.045%); highest among the groups gnomAD compares: African/African-American, 0.8%; 2 homozygotes.

Submissions (5):

Labcorp Genetics (formerly Invitae), Labcorp
Classification: Benign. Last evaluated: 2025-12-19. Review status: criteria provided, single submitter. Criteria: Invitae Variant Classification Sherloc (09022015). Collection method: clinical testing. Allele origin: germline.

Ambry Genetics
Classification: Likely benign for Inborn genetic diseases. Last evaluated: 2025-08-06. Review status: criteria provided, single submitter. Criteria: Ambry Variant Classification Scheme 2023. Collection method: clinical testing. Allele origin: germline.

Blueprint Genetics
Classification: Likely benign. Last evaluated: 2024-07-04. Review status: criteria provided, single submitter. Criteria: ACMG Guidelines, 2015. Collection method: clinical testing. Allele origin: germline.

CeGaT Center for Human Genetics Tuebingen
Classification: Likely benign. Last evaluated: 2023-04-01. Review status: criteria provided, single submitter. Criteria: CeGaT Center For Human Genetics Tuebingen Variant Classification Criteria Version 2. Collection method: clinical testing. Allele origin: germline. Affected: yes. Observed: 1 variant allele.
Comment: LRRK1: BP4, BP7

PreventionGenetics, part of Exact Sciences
Classification: Benign for LRRK1-related condition. Last evaluated: 2019-08-20. Review status: no assertion criteria provided. Collection method: clinical testing. Allele origin: germline. Not counted in ClinVar's aggregate classification.
Comment: This variant is classified as benign based on ACMG/AMP sequence variant interpretation guidelines (Richards et al. 2015 PMID: 25741868, with internal and published modifications).